The following is an entry in ClinVar:

ClinVar aggregate classification (germline): Benign. Review status: criteria provided, multiple submitters, no conflicts (2 of 4 stars). 4 submissions from 3 submitters: Benign (4). Last evaluated 2018-06-14.

Conditions:
Stickler syndrome type 1 (STL1). Also called: ARTHROOPHTHALMOPATHY, HEREDITARY PROGRESSIVE; STICKLER SYNDROME, MEMBRANOUS VITREOUS TYPE; STICKLER SYNDROME, VITREOUS TYPE 1; COL2A1-Related Stickler Syndrome. Identifiers: Orphanet 828, Orphanet 90653, MedGen C2020284, MONDO:0007160, OMIM 108300.
Type 2 collagenopathy. Identifiers: Orphanet 93421, MedGen C2931073, MONDO:0022800.

Allele frequency attached by ClinVar (database versions not stated): 1000 Genomes Project 0.72764; 1000 Genomes Project 30x 0.73064; TOPMed 0.77819; gnomAD 0.79434 and 0.79564; gnomAD exomes 0.82263.
gnomAD v4.1: 489,591 of 600,296 alleles (82%); highest among the groups gnomAD compares: Non-Finnish European, 87%; 201,863 homozygotes.

Submissions (4):

GeneDx
Classification: Benign. Last evaluated: 2018-06-14. Review status: criteria provided, single submitter. Criteria: GeneDx Variant Classification (06012015). Collection method: clinical testing. Allele origin: germline. Affected: yes.
Comment: This variant is considered likely benign or benign based on one or more of the following criteria: it is a conservative change, it occurs at a poorly conserved position in the protein, it is predicted to be benign by multiple in silico algorithms, and/or has population frequency not consistent with disease.

Illumina Laboratory Services, Illumina
Classification: Benign for Stickler syndrome type 1. Last evaluated: 2018-01-12. Review status: criteria provided, single submitter. Criteria: ICSL Variant Classification Criteria 13 December 2019. Collection method: clinical testing. Allele origin: germline.
Comment: This variant was observed in the ICSL laboratory as part of a predisposition screen in an ostensibly healthy population. It had not been previously curated by ICSL or reported in the Human Gene Mutation Database (HGMD: prior to June 1st, 2018), and was therefore a candidate for classification through an automated scoring system. Utilizing variant allele frequency, disease prevalence and penetrance estimates, and inheritance mode, an automated score was calculated to assess if this variant is too frequent to cause the disease. Based on the score and internal cut-off values, a variant classified as benign is not then subjected to further curation. The score for this variant resulted in a classification of benign for this disease.

Illumina Laboratory Services, Illumina
Classification: Benign for Type II Collagenopathies. Last evaluated: 2018-01-12. Review status: criteria provided, single submitter. Criteria: ICSL Variant Classification Criteria 13 December 2019. Collection method: clinical testing. Allele origin: germline.
Comment: the same text as in the submission from Illumina Laboratory Services, Illumina above.

Breakthrough Genomics
Classification: Benign. Review status: criteria provided, single submitter. Criteria: ACMG Guidelines, 2015. Collection method: not provided. Allele origin: germline. Inheritance: Autosomal dominant inheritance. Affected: yes.

NM_001844.5(COL2A1):c.-119C>T

Gene: COL2A1 (collagen type II alpha 1 chain; minus strand). Cytogenetic location: 12q13.11.
Variant type: single nucleotide variant.
Coding change: c.-119C>T on transcript NM_001844.5 (MANE Select); 119 bases upstream of the start codon, C replaced by T.
Molecular consequence: 5 prime UTR variant.
Genome position (GRCh38, 1-based): chr12:48,004,440, G>A on the plus strand (C>T on the coding strand, the complement: COL2A1 is on the minus strand). VCF-style: chr12-48004440-G-A. GRCh37 (hg19) VCF-style: chr12-48398223-G-A.
Other names: c.-119C>T (NM_033150.3).
Identifiers: ClinVar variation 308941 (VCV000308941.7), dbSNP rs3803182, ClinGen allele CA10632877.
Genomic context (GRCh38, chr12:48,004,440, plus strand): 5'-GCACGGCGCGGGTCCGGGTCTCTACCGCGCCCTCATGCAGGAGGCCCTTGGAGCAGGAGG[G>A]GGAAGCGGGAGACCCGGCAGCCCAGCAGCGCTCTGCGTCTTCTCCCCGCCGCGGCGCCCG-3'